The following is an entry in ClinVar:

NM_001127453.2(GSDME):c.1289A>T (p.Asp430Val)

Gene: GSDME (gasdermin E; minus strand). Cytogenetic location: 7p15.3.
Variant type: single nucleotide variant.
Coding change: c.1289A>T on transcript NM_001127453.2 (MANE Select); coding-DNA position 1289, A replaced by T.
Protein change: p.Asp430Val; replaces aspartic acid 430 with valine.
Molecular consequence: missense variant.
Genome position (GRCh38, 1-based): chr7:24,699,228, T>A on the plus strand (A>T on the coding strand, the complement: GSDME is on the minus strand). VCF-style: chr7-24699228-T-A. GRCh37 (hg19) VCF-style: chr7-24738847-T-A.
Other names: c.797A>T, p.Asp266Val (NM_001127454.2); c.1289A>T, p.Asp430Val (NM_004403.3); short protein forms D266V, D430V.
Identifiers: ClinVar variation 1707910 (VCV001707910.5), dbSNP rs1788760453, ClinGen allele CA367045087.

ClinVar aggregate classification (germline): Uncertain significance. Review status: criteria provided, multiple submitters, no conflicts (2 of 4 stars). 2 submissions from 2 submitters: Uncertain significance (2). Last evaluated 2026-05-07.

Conditions:
Inborn genetic diseases. Identifiers: MedGen C0950123, MeSH D030342.

Allele frequency attached by ClinVar (database versions not stated): gnomAD exomes below 0.00001; TOPMed below 0.00001.
gnomAD v4.1: 2 of 1,614,008 alleles (0.00012%); highest among the groups gnomAD compares: Non-Finnish European, 0.00017%; no homozygotes.

Submissions (2):

GeneDx
Classification: Uncertain significance. Last evaluated: 2026-05-07. Review status: criteria provided, single submitter. Criteria: GeneDx Variant Classification Process June 2021. Collection method: clinical testing. Allele origin: germline.
Comment: Not observed at significant frequency in large population cohorts (gnomAD); In silico analysis supports that this missense variant has a deleterious effect on protein structure/function; Has not been previously published as pathogenic or benign to our knowledge

Ambry Genetics
Classification: Uncertain significance for Inborn genetic diseases. Last evaluated: 2023-02-15. Review status: criteria provided, single submitter. Criteria: Ambry Variant Classification Scheme 2023. Collection method: clinical testing. Allele origin: germline.